The following is an entry in ClinVar:

NM_000193.4(SHH):c.897G>C (p.Leu299=)

Gene: SHH (sonic hedgehog signaling molecule; minus strand). Cytogenetic location: 7q36.3.
Variant type: single nucleotide variant.
Coding change: c.897G>C on transcript NM_000193.4 (MANE Select); coding-DNA position 897, G replaced by C.
Protein change: p.Leu299=; no amino-acid change (leucine 299 retained).
Molecular consequence: synonymous variant. On other transcripts: intron variant (1).
Genome position (GRCh38, 1-based): chr7:155,803,392, C>G on the plus strand (G>C on the coding strand, the complement: SHH is on the minus strand). VCF-style: chr7-155803392-C-G. GRCh37 (hg19) VCF-style: chr7-155596086-C-G.
Other names: c.301+2904G>C (NM_001310462.2).
Identifiers: ClinVar variation 196228 (VCV000196228.27), dbSNP rs9333635, ClinGen allele CA243116.

ClinVar aggregate classification (germline): Benign/Likely benign. Review status: criteria provided, multiple submitters, no conflicts (2 of 4 stars). 7 submissions from 7 submitters: Benign (6); Likely benign (1). Last evaluated 2026-02-01.

Conditions:
Inborn genetic diseases. Identifiers: MedGen C0950123, MeSH D030342.
Holoprosencephaly 3 (HPE3). Identifiers: Orphanet 2162, MedGen C1840529, MONDO:0007733, OMIM 142945.

Allele frequency attached by ClinVar (database versions not stated): ExAC 0.00016; gnomAD exomes 0.00030 and 0.00031; 1000 Genomes Project 0.00080; gnomAD 0.00348 and 0.00376; 1000 Genomes Project 30x 0.00359; TOPMed 0.00417.
gnomAD v4.1: 989 of 1,503,290 alleles (0.066%); highest among the groups gnomAD compares: African/African-American, 1.2%; 3 homozygotes.

Submissions (7):

Labcorp Genetics (formerly Invitae), Labcorp
Classification: Benign for Holoprosencephaly 3. Last evaluated: 2026-02-01. Review status: criteria provided, single submitter. Criteria: Invitae Variant Classification Sherloc (09022015). Collection method: clinical testing. Allele origin: germline.

Blueprint Genetics
Classification: Likely benign. Last evaluated: 2024-03-25. Review status: criteria provided, single submitter. Criteria: ACMG Guidelines, 2015. Collection method: clinical testing. Allele origin: germline.

ARUP Laboratories, Molecular Genetics and Genomics, ARUP Laboratories
Classification: Benign. Last evaluated: 2023-09-21. Review status: criteria provided, single submitter. Criteria: ARUP Molecular Germline Variant Investigation Process 2024. Collection method: clinical testing. Allele origin: germline.

Ambry Genetics
Classification: Benign for Inborn genetic diseases. Last evaluated: 2022-03-02. Review status: criteria provided, single submitter. Criteria: Ambry Variant Classification Scheme 2023. Collection method: clinical testing. Allele origin: germline.

GeneDx
Classification: Benign. Last evaluated: 2020-03-12. Review status: criteria provided, single submitter. Criteria: GeneDx Variant Classification Process June 2021. Collection method: clinical testing. Allele origin: germline. Affected: yes.
Comment: This variant is associated with the following publications: (PMID: 32542401)

Eurofins Ntd Llc (ga)
Classification: Benign. Last evaluated: 2017-03-23. Review status: criteria provided, single submitter. Criteria: EGL Classification Definitions 2015. Collection method: clinical testing. Allele origin: germline. Observed: 3 variant alleles, 3 heterozygotes.

Breakthrough Genomics
Classification: Benign. Review status: criteria provided, single submitter. Criteria: ACMG Guidelines, 2015. Collection method: not provided. Allele origin: germline. Inheritance: Autosomal dominant inheritance. Affected: yes.